The following is an entry in ClinVar:

ClinVar aggregate classification (germline): Conflicting classifications of pathogenicity. Review status: criteria provided, conflicting classifications (1 of 4 stars). 4 submissions from 4 submitters: Uncertain significance (3); Likely benign (1). Last evaluated 2025-12-09.

Conditions:
Spinocerebellar ataxia type 15/16 (SCA15). Also called: Spinocerebellar Ataxia Type 15. Identifiers: Orphanet 98769, MedGen C1847725, MONDO:0011694, OMIM 606658.
Gillespie syndrome (GLSP). Also called: Aniridia, cerebellar ataxia, and mental deficiency; Aniridia-cerebellar ataxia-intellectual disability syndrome. Identifiers: Orphanet 1065, MedGen C0431401, MONDO:0008795, OMIM 206700.
Spinocerebellar ataxia type 29 (SCA29). Also called: Spinocerebellar ataxia 29, congenital nonprogressive; CEREBELLAR ATAXIA, CONGENITAL NONPROGRESSIVE, AUTOSOMAL DOMINANT. Identifiers: Orphanet 208513, MedGen C1861732, MONDO:0007298, OMIM 117360.
Inborn genetic diseases. Identifiers: MedGen C0950123, MeSH D030342.

Allele frequency attached by ClinVar (database versions not stated): gnomAD exomes 0.00003; TOPMed 0.00003; ExAC 0.00005; gnomAD 0.00006; ESP Exome Variant Server 0.00008; 1000 Genomes Project 0.00020; 1000 Genomes Project 30x 0.00047.
gnomAD v4.1: 127 of 1,613,852 alleles (0.0079%); highest among the groups gnomAD compares: Middle Eastern, 0.017%; no homozygotes.

Submissions (4):

Labcorp Genetics (formerly Invitae), Labcorp
Classification: Uncertain significance. Last evaluated: 2025-12-09. Review status: criteria provided, single submitter. Criteria: Invitae Variant Classification Sherloc (09022015). Collection method: clinical testing. Allele origin: germline.
Comment: This sequence change replaces glycine, which is neutral and non-polar, with serine, which is neutral and polar, at codon 2429 of the ITPR1 protein (p.Gly2429Ser). This variant is present in population databases (rs187571979, gnomAD 0.006%). This variant has not been reported in the literature in individuals affected with ITPR1-related conditions. ClinVar contains an entry for this variant (Variation ID: 1321595). Invitae Evidence Modeling of protein sequence and biophysical properties (such as structural, functional, and spatial information, amino acid conservation, physicochemical variation, residue mobility, and thermodynamic stability) indicates that this missense variant is not expected to disrupt ITPR1 protein function with a negative predictive value of 95%. In summary, the available evidence is currently insufficient to determine the role of this variant in disease. Therefore, it has been classified as a Variant of Uncertain Significance.

Fulgent Genetics
Classification: Uncertain significance for Spinocerebellar ataxia type 29; Gillespie syndrome; Spinocerebellar ataxia type 15/16. Last evaluated: 2024-03-12. Review status: criteria provided, single submitter. Criteria: ACMG Guidelines, 2015. Collection method: clinical testing. Allele origin: germline.

Ambry Genetics
Classification: Likely benign for Inborn genetic diseases. Last evaluated: 2023-10-30. Review status: criteria provided, single submitter. Criteria: Ambry Variant Classification Scheme 2023. Collection method: clinical testing. Allele origin: germline.

GeneDx
Classification: Uncertain significance. Last evaluated: 2022-08-15. Review status: criteria provided, single submitter. Criteria: GeneDx Variant Classification Process June 2021. Collection method: clinical testing. Allele origin: germline. Affected: yes.
Comment: In silico analysis supports that this missense variant does not alter protein structure/function; Has not been previously published as pathogenic or benign to our knowledge

NM_001378452.1(ITPR1):c.7474G>A (p.Gly2492Ser)

Gene: ITPR1 (inositol 1,4,5-trisphosphate receptor type 1; plus strand). Cytogenetic location: 3p26.1.
Variant type: single nucleotide variant.
Coding change: c.7474G>A on transcript NM_001378452.1 (MANE Select); coding-DNA position 7474, G replaced by A.
Protein change: p.Gly2492Ser; replaces glycine 2492 with serine.
Molecular consequence: missense variant.
Genome position (GRCh38, 1-based): chr3:4,813,147, G>A. VCF-style: chr3-4813147-G-A. GRCh37 (hg19) VCF-style: chr3-4854831-G-A.
Other names: c.7330G>A, p.Gly2444Ser (NM_001099952.4); c.7429G>A, p.Gly2477Ser (NM_001168272.2); c.7285G>A, p.Gly2429Ser (NM_002222.7); c.7285G>A (NM_002222.6); short protein forms G2429S, G2444S, G2477S, G2492S.
Identifiers: ClinVar variation 1321595 (VCV001321595.11), dbSNP rs187571979, ClinGen allele CA2232856.